The following is an entry in ClinVar:

ClinVar aggregate classification (germline): Uncertain significance (1 of 4 stars; one submission).

Conditions:
Anauxetic dysplasia. Identifiers: Orphanet 93347, MedGen C1846796, MONDO:0011773.

Allele frequency attached by ClinVar (database versions not stated): TOPMed below 0.00001; gnomAD 0.00001.
gnomAD v4.1: 2 of 700,312 alleles (0.00029%); highest among the groups gnomAD compares: African/African-American, 0.0017%; no homozygotes.

Submission:

Labcorp Genetics (formerly Invitae), Labcorp
Classification: Uncertain significance for Anauxetic dysplasia. Last evaluated: 2025-03-18. Review status: criteria provided, single submitter. Criteria: Invitae Variant Classification Sherloc (09022015). Collection method: clinical testing. Allele origin: germline.
Comment: This variant occurs in the RMRP gene, which encodes an RNA molecule that does not result in a protein product. This variant is not present in population databases (gnomAD no frequency). This variant has not been reported in the literature in individuals affected with RMRP-related conditions. ClinVar contains an entry for this variant (Variation ID: 2095501). Experimental studies and prediction algorithms are not available or were not evaluated, and the functional significance of this variant is currently unknown. In summary, the available evidence is currently insufficient to determine the role of this variant in disease. Therefore, it has been classified as a Variant of Uncertain Significance.

NC_000009.12:g.35657970A>C

Gene: RMRP (RNA component of mitochondrial RNA processing endoribonuclease; minus strand). Cytogenetic location: 9p13.3.
Variant type: single nucleotide variant.
Genome position: GRCh38 VCF-style: chr9-35657970-A-C. GRCh37 (hg19) VCF-style: chr9-35657967-A-C.
Identifiers: ClinVar variation 2095501 (VCV002095501.4), dbSNP rs890235700, ClinGen allele CA192745678.